The following is an entry in ClinVar:

ClinVar aggregate classification (germline): Conflicting classifications of pathogenicity. Review status: criteria provided, conflicting classifications (1 of 4 stars). 2 submissions from 2 submitters: Likely risk allele (1); Uncertain significance (1). Last evaluated 2022-02-10.

Conditions:
Hyperinsulinemic hypoglycemia. Also called: Hyperinsulinemia hypoglycemia; Hyperinsulinemic hypoglycemia (disease). Identifiers: Orphanet 443095, MedGen C1864903, MONDO:0005803, HP:0000825.
Deficiency of 3-hydroxyacyl-CoA dehydrogenase. Also called: HADH DEFICIENCY; 3-hydroxyacyl-CoA dehydrogenase deficiency. Identifiers: Orphanet 309127, Orphanet 71212, MedGen C1291230, MONDO:0017715, OMIM 231530.

Allele frequency attached by ClinVar (database versions not stated): gnomAD exomes below 0.00001.
gnomAD v4.1: 1 of 1,594,874 alleles (0.000063%); highest among the groups gnomAD compares: Non-Finnish European, 0.000086%; no homozygotes.

Submissions (2):

Labcorp Genetics (formerly Invitae), Labcorp
Classification: Uncertain significance for Deficiency of 3-hydroxyacyl-CoA dehydrogenase. Last evaluated: 2022-02-10. Review status: criteria provided, single submitter. Criteria: Invitae Variant Classification Sherloc (09022015). Collection method: clinical testing. Allele origin: germline.
Comment: This sequence change replaces glutamic acid, which is acidic and polar, with glycine, which is neutral and non-polar, at codon 242 of the HADH protein (p.Glu242Gly). In summary, the available evidence is currently insufficient to determine the role of this variant in disease. Therefore, it has been classified as a Variant of Uncertain Significance. Algorithms developed to predict the effect of missense changes on protein structure and function are either unavailable or do not agree on the potential impact of this missense change (SIFT: "Deleterious"; PolyPhen-2: "Possibly Damaging"; Align-GVGD: "Class C0"). ClinVar contains an entry for this variant (Variation ID: 1003601). This variant has not been reported in the literature in individuals affected with HADH-related conditions. This variant is not present in population databases (gnomAD no frequency).

Clinical Genomics, Uppaluri K&H Personalized Medicine Clinic
Classification: Likely risk allele for Hyperinsulinemic hypoglycemia. Review status: criteria provided, single submitter. Criteria: K & H Uppaluri Personalized Medicine Clinic Variant Classification & Assertion Criteria_Updated V.1. Collection method: research. Allele origin: unknown. Inheritance: Autosomal recessive inheritance.
Comment: Potent mutations in HADH gene are associated with congenital hyperinsulinism, which leads to recurrent hypoglycemia. The condition is exacerbated by stress, fasting or excessive dietary protein. May respond well to diazoxide. However, the role of this particular variant rs1736337186 in congenital hyperinsulinism is yet to be ascertained.

Literature cited by the submitters: PubMed 34547194 (cited by Clinical Genomics, Uppaluri K&H Personalized Medicine Clinic); PubMed 34055426 (cited by Clinical Genomics, Uppaluri K&H Personalized Medicine Clinic); PubMed 29280746 (cited by Clinical Genomics, Uppaluri K&H Personalized Medicine Clinic).

NM_005327.7(HADH):c.725A>G (p.Glu242Gly)

Gene: HADH (hydroxyacyl-CoA dehydrogenase; plus strand). Cytogenetic location: 4q25.
Variant type: single nucleotide variant.
Coding change: c.725A>G on transcript NM_005327.7 (MANE Select); coding-DNA position 725, A replaced by G.
Protein change: p.Glu242Gly; replaces glutamic acid 242 with glycine.
Molecular consequence: missense variant.
Genome position (GRCh38, 1-based): chr4:108,033,191, A>G. VCF-style: chr4-108033191-A-G. GRCh37 (hg19) VCF-style: chr4-108954347-A-G.
Other names: c.776A>G, p.Glu259Gly (NM_001184705.4); c.737A>G, p.Glu246Gly (NM_001331027.2); short protein forms E242G, E246G, E259G.
Identifiers: ClinVar variation 1003601 (VCV001003601.6), dbSNP rs1736337186, ClinGen allele CA357830114.